The following is an entry in ClinVar:

NM_001195263.2(PDZD7):c.1591G>A (p.Ala531Thr)

Gene: PDZD7 (PDZ domain containing 7; minus strand). Cytogenetic location: 10q24.31.
Variant type: single nucleotide variant.
Coding change: c.1591G>A on transcript NM_001195263.2 (MANE Select); coding-DNA position 1591, G replaced by A.
Protein change: p.Ala531Thr; replaces alanine 531 with threonine.
Molecular consequence: missense variant.
Genome position (GRCh38, 1-based): chr10:101,015,794, C>T on the plus strand (G>A on the coding strand, the complement: PDZD7 is on the minus strand). VCF-style: chr10-101015794-C-T. GRCh37 (hg19) VCF-style: chr10-102775551-C-T.
Other names: short protein forms A531T.
Identifiers: ClinVar variation 1404165 (VCV001404165.8), dbSNP rs1852594005, ClinGen allele CA378227110.

ClinVar aggregate classification (germline): Uncertain significance (1 of 4 stars; one submission).

Allele frequency attached by ClinVar (database versions not stated): gnomAD 0.00001; gnomAD exomes 0.00001.
gnomAD v4.1: 9 of 1,548,678 alleles (0.00058%); highest among the groups gnomAD compares: Non-Finnish European, 0.00078%; no homozygotes.

Submission:

Labcorp Genetics (formerly Invitae), Labcorp
Classification: Uncertain significance. Last evaluated: 2021-07-07. Review status: criteria provided, single submitter. Criteria: Invitae Variant Classification Sherloc (09022015). Collection method: clinical testing. Allele origin: germline.
Comment: This sequence change replaces alanine with threonine at codon 531 of the PDZD7 protein (p.Ala531Thr). The alanine residue is weakly conserved and there is a small physicochemical difference between alanine and threonine. The frequency data for this variant in the population databases is considered unreliable, as metrics indicate insufficient coverage at this position in the ExAC database. This variant has not been reported in the literature in individuals affected with PDZD7-related conditions. Algorithms developed to predict the effect of missense changes on protein structure and function output the following: SIFT: "Deleterious"; PolyPhen-2: "Not Available"; Align-GVGD: "Class C0". The threonine amino acid residue is found in multiple mammalian species, which suggests that this missense change does not adversely affect protein function. In summary, the available evidence is currently insufficient to determine the role of this variant in disease. Therefore, it has been classified as a Variant of Uncertain Significance.